The following is an entry in ClinVar:

ClinVar aggregate classification (germline): Uncertain significance. Review status: criteria provided, multiple submitters, no conflicts (2 of 4 stars). 2 submissions from 2 submitters: Uncertain significance (2). Last evaluated 2025-02-18.

Conditions:
Waardenburg syndrome type 2A (WS2A). Also called: WAARDENBURG SYNDROME WITHOUT DYSTOPIA CANTHORUM. Identifiers: Orphanet 3440, MedGen C1860339, MONDO:0008671, OMIM 193510.
Melanoma, cutaneous malignant, susceptibility to, 8. Also called: Cutaneous malignant melanoma 8; MELANOMA AND RENAL CELL CARCINOMA, SUSCEPTIBILITY TO. Identifiers: Orphanet 293822, MedGen C3152204, MONDO:0013759, OMIM 614456.
Tietz syndrome (TADS). Also called: HYPOPIGMENTATION/DEAFNESS OF TIETZ; ALBINISM-DEAFNESS OF TIETZ; TIETZ ALBINISM-DEAFNESS SYNDROME. Identifiers: Orphanet 42665, MedGen C0391816, MONDO:0007077, OMIM 103500.

gnomAD v4.1: 2 of 1,613,872 alleles (0.00012%); highest among the groups gnomAD compares: Non-Finnish European, 0.00017%; no homozygotes.

Submissions (2):

Labcorp Genetics (formerly Invitae), Labcorp
Classification: Uncertain significance for Melanoma, cutaneous malignant, susceptibility to, 8; Waardenburg syndrome type 2A; Tietz syndrome. Last evaluated: 2025-02-18. Review status: criteria provided, single submitter. Criteria: Invitae Variant Classification Sherloc (09022015). Collection method: clinical testing. Allele origin: germline.
Comment: This sequence change replaces arginine, which is basic and polar, with glycine, which is neutral and non-polar, at codon 279 of the MITF protein (p.Arg279Gly). This variant is not present in population databases (gnomAD no frequency). This variant has not been reported in the literature in individuals affected with MITF-related conditions. ClinVar contains an entry for this variant (Variation ID: 2499851). Invitae Evidence Modeling of protein sequence and biophysical properties (such as structural, functional, and spatial information, amino acid conservation, physicochemical variation, residue mobility, and thermodynamic stability) has been performed for this missense variant. However, the output from this modeling did not meet the statistical confidence thresholds required to predict the impact of this variant on MITF protein function. In summary, the available evidence is currently insufficient to determine the role of this variant in disease. Therefore, it has been classified as a Variant of Uncertain Significance.

GeneDx
Classification: Uncertain significance. Last evaluated: 2022-10-19. Review status: criteria provided, single submitter. Criteria: GeneDx Variant Classification Process June 2021. Collection method: clinical testing. Allele origin: germline. Affected: yes.
Comment: Not observed at significant frequency in large population cohorts (gnomAD); In silico analysis supports that this missense variant has a deleterious effect on protein structure/function; Has not been previously published as pathogenic or benign to our knowledge

NM_001354604.2(MITF):c.1156C>G (p.Arg386Gly)

Gene: MITF (melanocyte inducing transcription factor; plus strand). Cytogenetic location: 3p13.
Variant type: single nucleotide variant.
Coding change: c.1156C>G on transcript NM_001354604.2 (MANE Select); coding-DNA position 1156, C replaced by G.
Protein change: p.Arg386Gly; replaces arginine 386 with glycine.
Molecular consequence: missense variant.
Genome position (GRCh38, 1-based): chr3:69,959,397, C>G. VCF-style: chr3-69959397-C-G. GRCh37 (hg19) VCF-style: chr3-70008548-C-G.
Other names: c.835C>G, p.Arg279Gly (NM_000248.4); c.982C>G, p.Arg328Gly (NM_001184967.2, NM_001354608.2); c.1153C>G, p.Arg385Gly (NM_001354605.2); c.1135C>G, p.Arg379Gly (NM_001354606.2, NM_006722.3); c.1087C>G, p.Arg363Gly (NM_001354607.2); c.817C>G, p.Arg273Gly (NM_198158.3); c.1138C>G, p.Arg380Gly (NM_198159.3); c.1090C>G, p.Arg364Gly (NM_198177.3); and 1 more; short protein forms R217G, R273G, R279G, R328G, R363G, R364G, R379G, R380G.
Identifiers: ClinVar variation 2499851 (VCV002499851.3), dbSNP rs771113831, ClinGen allele CA353562143.
Genomic context (GRCh38, chr3:69,959,397, plus strand): 5'-CGAGAACAGCAACGCGCAAAAGAACTTGAAAACCGACAGAAGAAACTGGAGCACGCCAAC[C>G]GGCATTTGTTGCTCAGAATACAGGTACGCAGCCTGAGTTGTGTAAAGTTTACTGCTTTTT-3'
Protein context (NP_001341533.1, residues 376-396): NRQKKLEHAN[Arg386Gly]HLLLRIQELE